The following is an entry in ClinVar:

ClinVar aggregate classification (germline): Benign. Review status: criteria provided, single submitter (1 of 4 stars). 2 submissions from 2 submitters: Benign (1). 1 of the submissions does not count toward it. Last evaluated 2025-12-16.

Conditions:
PIGU-related disorder. Also called: PIGU-related condition.

Allele frequency attached by ClinVar (database versions not stated): gnomAD exomes 0.00035 and 0.00111; ExAC 0.00123; ESP Exome Variant Server 0.00300; gnomAD 0.00356 and 0.00373; TOPMed 0.00422; 1000 Genomes Project 0.00519; 1000 Genomes Project 30x 0.00593.
gnomAD v4.1: 1,061 of 1,610,188 alleles (0.066%); highest among the groups gnomAD compares: African/African-American, 1.1%; 6 homozygotes.

Submissions (2):

Labcorp Genetics (formerly Invitae), Labcorp
Classification: Benign. Last evaluated: 2025-12-16. Review status: criteria provided, single submitter. Criteria: Invitae Variant Classification Sherloc (09022015). Collection method: clinical testing. Allele origin: germline.

PreventionGenetics, part of Exact Sciences
Classification: Benign for PIGU-related condition. Last evaluated: 2020-01-14. Review status: no assertion criteria provided. Collection method: clinical testing. Allele origin: germline. Not counted in ClinVar's aggregate classification.
Comment: This variant is classified as benign based on ACMG/AMP sequence variant interpretation guidelines (Richards et al. 2015 PMID: 25741868, with internal and published modifications).

NM_080476.5(PIGU):c.429-9C>T

Gene: PIGU (phosphatidylinositol glycan anchor biosynthesis class U; minus strand). Cytogenetic location: 20q11.22.
Variant type: single nucleotide variant.
Coding change: c.429-9C>T on transcript NM_080476.5 (MANE Select); 9 bases into the intron before coding-DNA position 429, C replaced by T.
Molecular consequence: intron variant.
Genome position (GRCh38, 1-based): chr20:34,634,724, G>A on the plus strand (C>T on the coding strand, the complement: PIGU is on the minus strand). VCF-style: chr20-34634724-G-A. GRCh37 (hg19) VCF-style: chr20-33222528-G-A.
Other names: c.429-9C>T (NM_080476.4).
Identifiers: ClinVar variation 1667836 (VCV001667836.10), dbSNP rs115569429, ClinGen allele CA9822663.